The following is an entry in ClinVar:

NM_007175.8(ERLIN2):c.1007C>T (p.Thr336Ile)

Gene: ERLIN2 (ER lipid raft associated 2; plus strand). Cytogenetic location: 8p11.23.
Variant type: single nucleotide variant.
Coding change: c.1007C>T on transcript NM_007175.8 (MANE Select); coding-DNA position 1007, C replaced by T.
Protein change: p.Thr336Ile; replaces threonine 336 with isoleucine.
Molecular consequence: missense variant.
Genome position (GRCh38, 1-based): chr8:37,754,102, C>T. VCF-style: chr8-37754102-C-T. GRCh37 (hg19) VCF-style: chr8-37611620-C-T.
Other names: p.Thr336Ile; c.1007C>T, p.Thr336Ile (NM_001362878.2); short protein forms T336I.
Identifiers: ClinVar variation 2683007 (VCV002683007.1), dbSNP rs760408587, ClinGen allele CA4711058.

ClinVar aggregate classification (germline): Uncertain significance (1 of 4 stars; one submission).

Allele frequency attached by ClinVar (database versions not stated): gnomAD exomes below 0.00001; ExAC 0.00001.
gnomAD v4.1: 3 of 1,613,598 alleles (0.00019%); highest among the groups gnomAD compares: Middle Eastern, 0.016%; no homozygotes.

Submission:

Mayo Clinic Laboratories, Mayo Clinic
Classification: Uncertain significance. Last evaluated: 2023-04-18. Review status: criteria provided, single submitter. Criteria: ACMG Guidelines, 2015. Collection method: clinical testing. Allele origin: germline. Observed: 1 variant allele.
Comment: BP4, PM2